The following is an entry in ClinVar:

NM_022552.5(DNMT3A):c.2535C>A (p.Asp845Glu)

Gene: DNMT3A (DNA methyltransferase 3 alpha; minus strand). Cytogenetic location: 2p23.3.
Variant type: single nucleotide variant.
Coding change: c.2535C>A on transcript NM_022552.5 (MANE Select); coding-DNA position 2535, C replaced by A.
Protein change: p.Asp845Glu; replaces aspartic acid 845 with glutamic acid.
Molecular consequence: missense variant. On other transcripts: non-coding transcript variant (1).
Genome position (GRCh38, 1-based): chr2:25,235,769, G>T on the plus strand (C>A on the coding strand, the complement: DNMT3A is on the minus strand). VCF-style: chr2-25235769-G-T. GRCh37 (hg19) VCF-style: chr2-25458638-G-T.
Other names: c.2079C>A, p.Asp693Glu (NM_001320893.1); c.1866C>A, p.Asp622Glu (NM_001375819.1); c.1968C>A, p.Asp656Glu (NM_153759.3); c.2535C>A, p.Asp845Glu (NM_175629.2); short protein forms D622E, D656E, D693E, D845E.
Identifiers: ClinVar variation 4827673 (VCV004827673.1).

ClinVar aggregate classification (germline): Uncertain significance (1 of 4 stars; one submission).

Conditions:
Inborn genetic diseases. Identifiers: MedGen C0950123, MeSH D030342.

Submission:

Ambry Genetics
Classification: Uncertain significance for Inborn genetic diseases. Last evaluated: 2026-03-12. Review status: criteria provided, single submitter. Criteria: Ambry Variant Classification Scheme 2023. Collection method: clinical testing. Allele origin: germline.
Comment: The p.D845E variant (also known as c.2535C>A), located in coding exon 21 of the DNMT3A gene, results from a C to A substitution at nucleotide position 2535. The aspartic acid at codon 845 is replaced by glutamic acid, an amino acid with highly similar properties. This amino acid position is conserved. In addition, the in silico prediction for this alteration is inconclusive. Based on the available evidence, the clinical significance of this variant remains unclear.